The following is an entry in ClinVar:

NM_001486.4(GCKR):c.893C>T (p.Thr298Ile)

Gene: GCKR (glucokinase regulator; plus strand). Cytogenetic location: 2p23.3.
Variant type: single nucleotide variant.
Coding change: c.893C>T on transcript NM_001486.4 (MANE Select); coding-DNA position 893, C replaced by T.
Protein change: p.Thr298Ile; replaces threonine 298 with isoleucine.
Molecular consequence: missense variant.
Genome position (GRCh38, 1-based): chr2:27,506,504, C>T. VCF-style: chr2-27506504-C-T. GRCh37 (hg19) VCF-style: chr2-27729371-C-T.
Other names: short protein forms T298I.
Identifiers: ClinVar variation 1463862 (VCV001463862.8), dbSNP rs1215398352, ClinGen allele CA346416773.

ClinVar aggregate classification (germline): Uncertain significance (1 of 4 stars; one submission).

Allele frequency attached by ClinVar (database versions not stated): gnomAD exomes below 0.00001 and 0.00001; gnomAD 0.00001.
gnomAD v4.1: 12 of 1,613,632 alleles (0.00074%); highest among the groups gnomAD compares: Non-Finnish European, 0.001%; no homozygotes.

Submission:

Labcorp Genetics (formerly Invitae), Labcorp
Classification: Uncertain significance. Last evaluated: 2021-04-16. Review status: criteria provided, single submitter. Criteria: Invitae Variant Classification Sherloc (09022015). Collection method: clinical testing. Allele origin: germline.
Comment: In summary, the available evidence is currently insufficient to determine the role of this variant in disease. Therefore, it has been classified as a Variant of Uncertain Significance. Algorithms developed to predict the effect of missense changes on protein structure and function are either unavailable or do not agree on the potential impact of this missense change (SIFT: "Deleterious"; PolyPhen-2: "Benign"; Align-GVGD: "Class C15"). This variant has not been reported in the literature in individuals with GCKR-related conditions. This variant is not present in population databases (ExAC no frequency). This sequence change replaces threonine with isoleucine at codon 298 of the GCKR protein (p.Thr298Ile). The threonine residue is moderately conserved and there is a moderate physicochemical difference between threonine and isoleucine.